The following is an entry in ClinVar:

ClinVar aggregate classification (germline): Likely benign. Review status: criteria provided, multiple submitters, no conflicts (2 of 4 stars). 3 submissions from 3 submitters: Likely benign (2). 1 of the submissions does not count toward it. Last evaluated 2026-08-01.

Conditions:
DNAH17-related disorder. Also called: DNAH17-related condition.

Allele frequency attached by ClinVar (database versions not stated): ExAC 0.00169; 1000 Genomes Project 30x 0.00234; 1000 Genomes Project 0.00240; gnomAD 0.00253; ESP Exome Variant Server 0.00254; TOPMed 0.00275.
gnomAD v4.1: 873 of 1,609,598 alleles (0.054%); highest among the groups gnomAD compares: African/African-American, 0.95%; 3 homozygotes.

Submissions (5):

CeGaT Center for Human Genetics Tuebingen
Classification: Likely benign. Last evaluated: 2026-08-01. Review status: criteria provided, single submitter. Criteria: CeGaT Center For Human Genetics Tuebingen Variant Classification Criteria Version 2. Collection method: clinical testing. Allele origin: germline. Affected: yes. Observed: 2 variant alleles.
Comment: DNAH17: BP4, BS2

Blueprint Genetics
Classification: Likely benign. Last evaluated: 2024-11-01. Review status: criteria provided, single submitter. Criteria: ACMG Guidelines, 2015. Collection method: clinical testing. Allele origin: germline.

PreventionGenetics, part of Exact Sciences
Classification: Likely benign for DNAH17-related condition. Last evaluated: 2019-04-11. Review status: no assertion criteria provided. Collection method: clinical testing. Allele origin: germline. Not counted in ClinVar's aggregate classification.
Comment: This variant is classified as likely benign based on ACMG/AMP sequence variant interpretation guidelines (Richards et al. 2015 PMID: 25741868, with internal and published modifications).

Dr. Peter K. Rogan Lab, Western University
No classification provided (evidence only). Condition: Uterine corpus endometrial carcinoma. Review status: no classification provided. Collection method: in vitro. Allele origin: not applicable. Functional consequence: retained intron. Not counted in ClinVar's aggregate classification.

Dr. Peter K. Rogan Lab, Western University
No classification provided (evidence only). Condition: Uterine corpus endometrial carcinoma. Review status: no classification provided. Collection method: in vitro. Allele origin: not applicable. Functional consequence: retained intron. Not counted in ClinVar's aggregate classification.

NM_173628.4(DNAH17):c.11643G>A (p.Pro3881=)

Gene: DNAH17 (dynein axonemal heavy chain 17; minus strand). Cytogenetic location: 17q25.3.
Variant type: single nucleotide variant.
Coding change: c.11643G>A on transcript NM_173628.4 (MANE Select); coding-DNA position 11643, G replaced by A.
Protein change: p.Pro3881=; no amino-acid change (proline 3881 retained).
Molecular consequence: synonymous variant.
Genome position (GRCh38, 1-based): chr17:78,441,085, C>T on the plus strand (G>A on the coding strand, the complement: DNAH17 is on the minus strand). VCF-style: chr17-78441085-C-T. GRCh37 (hg19) VCF-style: chr17-76437167-C-T.
Other names: NC_000017.10:g.76437167C>T; c.11643G>A (NM_173628.3).
Identifiers: ClinVar variation 2648350 (VCV002648350.27), dbSNP rs151195909, ClinGen allele CA8800380.
Genomic context (GRCh38, chr17:78,441,085, plus strand): 5'-GAACATCACTTGCCTGCTACACTTACCCAGGGCTTCCACGTCTTTCAAGGGGTCAACCCC[C>T]GGGGAGAGGATGAAGAAGATTGACGTGGAGGGGCTGCTCTCCTCGTAGGACTTAGAAAAC-3'
Protein context (NP_775899.3, residues 3871-3891): PSTSIFFILS[Pro3881=]GVDPLKDVEA